The following is an entry in ClinVar:

ClinVar aggregate classification (germline): Uncertain significance. Review status: criteria provided, multiple submitters, no conflicts (2 of 4 stars). 2 submissions from 2 submitters: Uncertain significance (2). Last evaluated 2025-06-04.

gnomAD v4.1: 8 of 1,605,710 alleles (0.0005%); highest among the groups gnomAD compares: Non-Finnish European, 0.00068%; no homozygotes.

Submissions (2):

Labcorp Genetics (formerly Invitae), Labcorp
Classification: Uncertain significance. Last evaluated: 2025-06-04. Review status: criteria provided, single submitter. Criteria: Invitae Variant Classification Sherloc (09022015). Collection method: clinical testing. Allele origin: germline.
Comment: This sequence change replaces asparagine, which is neutral and polar, with serine, which is neutral and polar, at codon 402 of the DNAJC21 protein (p.Asn402Ser). This variant is present in population databases (rs764938030, gnomAD 0.0009%). This variant has not been reported in the literature in individuals affected with DNAJC21-related conditions. An algorithm developed to predict the effect of missense changes on protein structure and function outputs the following: PolyPhen-2: "Benign". The serine amino acid residue is found in multiple mammalian species, which suggests that this missense change does not adversely affect protein function. In summary, the available evidence is currently insufficient to determine the role of this variant in disease. Therefore, it has been classified as a Variant of Uncertain Significance.

Blueprint Genetics
Classification: Uncertain significance. Last evaluated: 2022-02-12. Review status: criteria provided, single submitter. Criteria: ACMG Guidelines, 2015. Collection method: clinical testing. Allele origin: germline.

NM_001012339.3(DNAJC21):c.1205A>G (p.Asn402Ser)

Gene: DNAJC21 (DnaJ heat shock protein family (Hsp40) member C21; plus strand). Cytogenetic location: 5p13.2.
Variant type: single nucleotide variant.
Coding change: c.1205A>G on transcript NM_001012339.3 (MANE Select); coding-DNA position 1205, A replaced by G.
Protein change: p.Asn402Ser; replaces asparagine 402 with serine.
Molecular consequence: missense variant.
Genome position (GRCh38, 1-based): chr5:34,950,189, A>G. VCF-style: chr5-34950189-A-G. GRCh37 (hg19) VCF-style: chr5-34950294-A-G.
Other names: c.1244A>G, p.Asn415Ser (NM_001348420.2); c.1340A>G, p.Asn447Ser (NM_194283.4); short protein forms N447S, N402S, N415S.
Identifiers: ClinVar variation 4764685 (VCV004764685.2).